The following is an entry in ClinVar:

ClinVar aggregate classification (germline): Uncertain significance (1 of 4 stars; one submission).

gnomAD v4.1: 3 of 1,612,826 alleles (0.00019%); highest among the groups gnomAD compares: Non-Finnish European, 0.00025%; no homozygotes.

Submission:

CeGaT Center for Human Genetics Tuebingen
Classification: Uncertain significance. Last evaluated: 2025-10-01. Review status: criteria provided, single submitter. Criteria: CeGaT Center For Human Genetics Tuebingen Variant Classification Criteria Version 2. Collection method: clinical testing. Allele origin: germline. Affected: yes. Observed: 1 variant allele.
Comment: PLXNB2: PM2

NM_012401.4(PLXNB2):c.88A>G (p.Ser30Gly)

Gene: PLXNB2 (plexin B2; minus strand). Cytogenetic location: 22q13.33.
Variant type: single nucleotide variant.
Coding change: c.88A>G on transcript NM_012401.4 (MANE Select); coding-DNA position 88, A replaced by G.
Protein change: p.Ser30Gly; replaces serine 30 with glycine.
Molecular consequence: missense variant.
Genome position (GRCh38, 1-based): chr22:50,290,497, T>C on the plus strand (A>G on the coding strand, the complement: PLXNB2 is on the minus strand). VCF-style: chr22-50290497-T-C. GRCh37 (hg19) VCF-style: chr22-50728926-T-C.
Other names: c.88A>G, p.Ser30Gly (NM_001376864.1, NM_001376865.1, NM_001376866.1 and 20 more transcripts); short protein forms S30G.
Identifiers: ClinVar variation 4534468 (VCV004534468.6).